The following is an entry in ClinVar:

ClinVar aggregate classification (germline): Uncertain significance. Review status: criteria provided, multiple submitters, no conflicts (2 of 4 stars). 2 submissions from 2 submitters: Uncertain significance (2). Last evaluated 2026-02-01.

Conditions:
Autosomal recessive limb-girdle muscular dystrophy type 2J (LGMDR10). Also called: Limb-girdle muscular dystrophy, type 2J; MUSCULAR DYSTROPHY, LIMB-GIRDLE, AUTOSOMAL RECESSIVE 10. Identifiers: Orphanet 140922, MedGen C1837342, MONDO:0012127, OMIM 608807.
Dilated cardiomyopathy 1G (CMD1G). Identifiers: Orphanet 154, MedGen C1858763, MONDO:0011400, OMIM 604145.
TTN-related disorder. Also called: TTN-related disorders; TTN-related condition; TTN-related disease.

Allele frequency attached by ClinVar (database versions not stated): gnomAD exomes below 0.00001; gnomAD 0.00001; TOPMed 0.00001.
gnomAD v4.1: 3 of 1,613,782 alleles (0.00019%); highest among the groups gnomAD compares: African/African-American, 0.004%; no homozygotes.

Submissions (2):

Labcorp Genetics (formerly Invitae), Labcorp
Classification: Uncertain significance for Dilated cardiomyopathy 1G; Autosomal recessive limb-girdle muscular dystrophy type 2J. Last evaluated: 2026-02-01. Review status: criteria provided, single submitter. Criteria: Invitae Variant Classification Sherloc (09022015). Collection method: clinical testing. Allele origin: germline.
Comment: This sequence change replaces alanine, which is neutral and non-polar, with threonine, which is neutral and polar, at codon 35294 of the TTN protein (p.Ala35294Thr). This variant is present in population databases (no rsID available, gnomAD 0.007%). This variant has not been reported in the literature in individuals affected with TTN-related conditions. ClinVar contains an entry for this variant (Variation ID: 1425222). Experimental studies and prediction algorithms are not available or were not evaluated, and the functional significance of this variant is currently unknown. This variant is located in the M band of TTN (PMID: 25589632). Non-truncating variants in this region may be relevant for neuromuscular disorders, but have not been definitively shown to cause cardiomyopathy (PMID: 23975875). In summary, the available evidence is currently insufficient to determine the role of this variant in disease. Therefore, it has been classified as a Variant of Uncertain Significance.

PreventionGenetics, part of Exact Sciences
Classification: Uncertain significance for TTN-related condition. Last evaluated: 2025-09-09. Review status: criteria provided, single submitter. Criteria: ACMG Guidelines, 2015. Collection method: clinical testing. Allele origin: germline.
Comment: The TTN c.105880G>A variant is predicted to result in the amino acid substitution p.Ala35294Thr. To our knowledge, this variant has not been reported in the literature. This variant is reported in 0.0065% of alleles in individuals of African descent in gnomAD. At this time, the clinical significance of this variant is uncertain due to the absence of conclusive functional and genetic evidence.

Literature cited by the submitters: PubMed 25589632 (cited by Labcorp Genetics (formerly Invitae), Labcorp); PubMed 23975875 (cited by Labcorp Genetics (formerly Invitae), Labcorp).

NM_001267550.2(TTN):c.105880G>A (p.Ala35294Thr)

Genes: TTN (titin; minus strand), TTN-AS1 (TTN antisense RNA 1; plus strand), LOC129935183 (ATAC-STARR-seq lymphoblastoid active region 16808; plus strand). Cytogenetic location: 2q31.2.
Variant type: single nucleotide variant.
Coding change: c.105880G>A on transcript NM_001267550.2 (MANE Select); coding-DNA position 105880, G replaced by A.
Protein change: p.Ala35294Thr; replaces alanine 35294 with threonine.
Molecular consequence: missense variant.
Genome position (GRCh38, 1-based): chr2:178,530,735, C>T on the plus strand (G>A on the coding strand, the complement: TTN is on the minus strand). VCF-style: chr2-178530735-C-T. GRCh37 (hg19) VCF-style: chr2-179395462-C-T.
Other names: c.100957G>A, p.Ala33653Thr (NM_001256850.1); c.78685G>A, p.Ala26229Thr (NM_003319.4); c.98176G>A, p.Ala32726Thr (NM_133378.4); c.79060G>A, p.Ala26354Thr (NM_133432.3); c.79261G>A, p.Ala26421Thr (NM_133437.4); short protein forms A26229T, A26421T, A35294T, A26354T, A33653T, A32726T.
Identifiers: ClinVar variation 1425222 (VCV001425222.9), dbSNP rs879080442, ClinGen allele CA60953595.
Genomic context (GRCh38, chr2:178,530,735, plus strand): 5'-CCCTTAATACACTGCTTTCAACCACACAGGTCAGTTTTGCAATCTCTTTAGAAGCTTCTG[C>T]TTTCAGGAACTGAGTAATCTTTGGTGGGGCAGAGACTGGGAGGTGCTGAACTTTCTCTGT-3'
Protein context (NP_001254479.2, residues 35284-35304): APPKITQFLK[Ala35294Thr]EASKEIAKLT